The following is an entry in ClinVar:

ClinVar aggregate classification (germline): Conflicting classifications of pathogenicity. Review status: criteria provided, conflicting classifications (1 of 4 stars). 6 submissions from 6 submitters: Uncertain significance (1); Benign (1); Likely benign (4). Last evaluated 2025-07-04.

Conditions:
Hereditary cancer-predisposing syndrome. Also called: Neoplastic Syndromes, Hereditary; Hereditary neoplastic syndrome; Tumor predisposition; Hereditary Cancer Syndrome. Identifiers: Orphanet 140162, MedGen C0027672, MeSH D009386, MONDO:0015356.
Familial cancer of breast. Also called: BREAST CANCER, FAMILIAL; hereditary breast carcinoma; Hereditary breast cancer. Identifiers: Orphanet 227535, MedGen C0346153, MONDO:0016419, OMIM 114480. Disease mechanism: loss of function.
Ataxia-telangiectasia syndrome (AT). Also called: AT, COMPLEMENTATION GROUP C; ATAXIA-TELANGIECTASIA, COMPLEMENTATION GROUP A; ATAXIA-TELANGIECTASIA, FRESNO VARIANT; LOUIS-BAR SYNDROME; Ataxia-telangiectasia; Cerebello-oculocutaneous telangiectasia. Identifiers: Orphanet 100, MedGen C0004135, MONDO:0008840, OMIM 208900.

gnomAD v4.1: 1 of 1,613,810 alleles (0.000062%); highest among the groups gnomAD compares: Non-Finnish European, 0.000085%; no homozygotes.

Submissions (6):

Labcorp Genetics (formerly Invitae), Labcorp
Classification: Likely benign for Ataxia-telangiectasia syndrome. Last evaluated: 2025-07-04. Review status: criteria provided, single submitter. Criteria: Invitae Variant Classification Sherloc (09022015). Collection method: clinical testing. Allele origin: germline.

Myriad Genetics, Inc.
Classification: Benign for Familial cancer of breast. Last evaluated: 2024-04-19. Review status: criteria provided, single submitter. Criteria: Myriad Autosomal Dominant, Autosomal Recessive and X-Linked Classification Criteria (2023). Collection method: clinical testing. Allele origin: unknown.
Comment: This variant is considered benign. This variant is a silent/synonymous amino acid change and it is not expected to impact splicing.

Women's Health and Genetics/Laboratory Corporation of America, LabCorp
Classification: Likely benign. Last evaluated: 2023-05-18. Review status: criteria provided, single submitter. Criteria: LabCorp Variant Classification Summary - May 2015. Collection method: clinical testing. Allele origin: germline.

Sema4
Classification: Uncertain significance for Hereditary cancer-predisposing syndrome. Last evaluated: 2021-11-01. Review status: criteria provided, single submitter. Criteria: Sema4 Curation Guidelines. Collection method: curation. Allele origin: germline.
Comment: The ATM c.489G>A (p.Q163=) variant has not been reported in the literature to our knowledge. It was not observed in the large and broad cohorts of the Genome Aggregation Database (PMID: 32461654). The variant has been reported in ClinVar (Variation ID 388394). In silico tools suggest the variant may potentially have an impact on splicing, though these predictions have not been confirmed by functional studies. The evidence is insufficient to meet ACMG/AMP criteria for classifying the variant as benign or pathogenic. Thus, the clinical significance of this variant is currently uncertain.

GeneDx
Classification: Likely benign. Last evaluated: 2018-05-31. Review status: criteria provided, single submitter. Criteria: GeneDx Variant Classification Process June 2021. Collection method: clinical testing. Allele origin: germline. Affected: yes.

Ambry Genetics
Classification: Likely benign for Hereditary cancer-predisposing syndrome. Last evaluated: 2016-12-20. Review status: criteria provided, single submitter. Criteria: Ambry Variant Classification Scheme 2023. Collection method: clinical testing. Allele origin: germline.

NM_000051.4(ATM):c.489G>A (p.Gln163=)

Gene: ATM (ATM serine/threonine kinase; plus strand). Cytogenetic location: 11q22.3.
Variant type: single nucleotide variant.
Coding change: c.489G>A on transcript NM_000051.4 (MANE Select); coding-DNA position 489, G replaced by A.
Protein change: p.Gln163=; no amino-acid change (glutamine 163 retained).
Molecular consequence: synonymous variant.
Genome position (GRCh38, 1-based): chr11:108,235,827, G>A. VCF-style: chr11-108235827-G-A. GRCh37 (hg19) VCF-style: chr11-108106554-G-A.
Other names: c.489G>A, p.Gln163= (NM_001351834.2).
Identifiers: ClinVar variation 388394 (VCV000388394.18), dbSNP rs1057523087, ClinGen allele CA16605755.